The following is an entry in ClinVar:

NM_016604.4(KDM3B):c.2767C>T (p.Arg923Trp)

Gene: KDM3B (lysine demethylase 3B; plus strand). Cytogenetic location: 5q31.2.
Variant type: single nucleotide variant.
Coding change: c.2767C>T on transcript NM_016604.4 (MANE Select); coding-DNA position 2767, C replaced by T.
Protein change: p.Arg923Trp; replaces arginine 923 with tryptophan.
Molecular consequence: missense variant.
Genome position (GRCh38, 1-based): chr5:138,393,308, C>T. VCF-style: chr5-138393308-C-T. GRCh37 (hg19) VCF-style: chr5-137728997-C-T.
Other names: short protein forms R923W.
Identifiers: ClinVar variation 3600848 (VCV003600848.1).

ClinVar aggregate classification (germline): Uncertain significance (1 of 4 stars; one submission).

Submission:

GeneDx
Classification: Uncertain significance. Last evaluated: 2024-07-23. Review status: criteria provided, single submitter. Criteria: GeneDx Variant Classification Process June 2021. Collection method: clinical testing. Allele origin: germline. Affected: yes.
Comment: Not observed at significant frequency in large population cohorts (gnomAD); In silico analysis supports that this missense variant has a deleterious effect on protein structure/function; Has not been previously published as pathogenic or benign to our knowledge